The following is an entry in ClinVar:

ClinVar aggregate classification (germline): Likely pathogenic (1 of 4 stars; one submission).

Conditions:
Inborn genetic diseases. Identifiers: MedGen C0950123, MeSH D030342.

Submission:

Ambry Genetics
Classification: Likely pathogenic for Inborn genetic diseases. Last evaluated: 2024-02-21. Review status: criteria provided, single submitter. Criteria: Ambry Variant Classification Scheme 2023. Collection method: clinical testing. Allele origin: germline.
Comment: The c.3743-1G>A results from a G to A substitution one nucleotide before coding exon 43 of the COL4A1 gene. Alterations that disrupt the canonical splice site are expected to cause aberrant splicing, resulting in an abnormal protein or a transcript that is subject to nonsense-mediated mRNA decay. This variant was not reported in population-based cohorts in the Genome Aggregation Database (gnomAD). This nucleotide position is highly conserved in available vertebrate species. In silico splice site analysis predicts that this alteration will weaken the native splice acceptor site and will result in the creation or strengthening of a novel splice acceptor site. Based on the available evidence, this alteration is classified as likely pathogenic.

NM_001845.6(COL4A1):c.3743-1G>A

Gene: COL4A1 (collagen type IV alpha 1 chain; minus strand). Cytogenetic location: 13q34.
Variant type: single nucleotide variant.
Coding change: c.3743-1G>A on transcript NM_001845.6 (MANE Select); the canonical splice acceptor site of the intron before coding-DNA position 3743, G replaced by A.
Molecular consequence: splice acceptor variant.
Genome position (GRCh38, 1-based): chr13:110,169,763, C>T on the plus strand (G>A on the coding strand, the complement: COL4A1 is on the minus strand). VCF-style: chr13-110169763-C-T. GRCh37 (hg19) VCF-style: chr13-110822110-C-T.
Identifiers: ClinVar variation 3147568 (VCV003147568.1), dbSNP rs2501757966, ClinGen allele CA388662109.